The following is an entry in ClinVar:

ClinVar aggregate classification (germline): Uncertain significance (1 of 4 stars; one submission).

Conditions:
Fanconi anemia (FA). Also called: Fanconi's anemia. Identifiers: Orphanet 84, MedGen C0015625, MeSH D005199, MONDO:0019391.

Submission:

Labcorp Genetics (formerly Invitae), Labcorp
Classification: Uncertain significance for Fanconi anemia. Last evaluated: 2022-05-12. Review status: criteria provided, single submitter. Criteria: Invitae Variant Classification Sherloc (09022015). Collection method: clinical testing. Allele origin: germline.
Comment: This variant has not been reported in the literature in individuals affected with FANCD2-related conditions. This variant is not present in population databases (gnomAD no frequency). This sequence change replaces alanine, which is neutral and non-polar, with valine, which is neutral and non-polar, at codon 696 of the FANCD2 protein (p.Ala696Val). ClinVar contains an entry for this variant (Variation ID: 1035132). In summary, the available evidence is currently insufficient to determine the role of this variant in disease. Therefore, it has been classified as a Variant of Uncertain Significance. Algorithms developed to predict the effect of missense changes on protein structure and function output the following: SIFT: "Tolerated"; PolyPhen-2: "Benign"; Align-GVGD: "Class C0". The valine amino acid residue is found in multiple mammalian species, which suggests that this missense change does not adversely affect protein function.

NM_001018115.3(FANCD2):c.2087C>T (p.Ala696Val)

Genes: FANCD2 (FA complementation group D2; plus strand), LOC107303338 (3p25 FANCD2 Alu-mediated recombination region; plus strand). Cytogenetic location: 3p25.3.
Variant type: single nucleotide variant.
Coding change: c.2087C>T on transcript NM_001018115.3 (MANE Select); coding-DNA position 2087, C replaced by T.
Protein change: p.Ala696Val; replaces alanine 696 with valine.
Molecular consequence: missense variant.
Genome position (GRCh38, 1-based): chr3:10,064,794, C>T. VCF-style: chr3-10064794-C-T. GRCh37 (hg19) VCF-style: chr3-10106478-C-T.
Other names: c.2087C>T, p.Ala696Val (NM_001319984.2, NM_001374254.1, NM_033084.6); c.1976C>T, p.Ala659Val (NM_001374253.1); short protein forms A659V, A696V.
Identifiers: ClinVar variation 1035132 (VCV001035132.8), dbSNP rs2087669561, ClinGen allele CA351733254.
Genomic context (GRCh38, chr3:10,064,794, plus strand): 5'-TTCCATTTCCTGTGAAAGCACTGTACGGACTGGAAGAATACGACACTCAGGATGGGATTG[C>T]CATAAACCTCCTGCCGCTGCTGTTTTCTCAGGACTTTGCAAAAGATGGGGGTCCGGTGAC-3'
Protein context (NP_001018125.1, residues 686-706): LEEYDTQDGI[Ala696Val]INLLPLLFSQ